The following is an entry in ClinVar:

NM_001267550.2(TTN):c.102140T>G (p.Met34047Arg)

Genes: TTN (titin; minus strand), TTN-AS1 (TTN antisense RNA 1; plus strand). Cytogenetic location: 2q31.2.
Variant type: single nucleotide variant.
Coding change: c.102140T>G on transcript NM_001267550.2 (MANE Select); coding-DNA position 102140, T replaced by G.
Protein change: p.Met34047Arg; replaces methionine 34047 with arginine.
Molecular consequence: missense variant.
Genome position (GRCh38, 1-based): chr2:178,534,475, A>C on the plus strand (T>G on the coding strand, the complement: TTN is on the minus strand). VCF-style: chr2-178534475-A-C. GRCh37 (hg19) VCF-style: chr2-179399202-A-C.
Other names: c.97217T>G, p.Met32406Arg (NM_001256850.1); c.74945T>G, p.Met24982Arg (NM_003319.4); c.94436T>G, p.Met31479Arg (NM_133378.4); c.75320T>G, p.Met25107Arg (NM_133432.3); c.75521T>G, p.Met25174Arg (NM_133437.4); short protein forms M24982R, M25107R, M25174R, M31479R, M32406R, M34047R.
Identifiers: ClinVar variation 3759425 (VCV003759425.2).

ClinVar aggregate classification (germline): Uncertain significance (1 of 4 stars; one submission).

Conditions:
Dilated cardiomyopathy 1G (CMD1G). Identifiers: Orphanet 154, MedGen C1858763, MONDO:0011400, OMIM 604145.
Autosomal recessive limb-girdle muscular dystrophy type 2J (LGMDR10). Also called: Limb-girdle muscular dystrophy, type 2J; MUSCULAR DYSTROPHY, LIMB-GIRDLE, AUTOSOMAL RECESSIVE 10. Identifiers: Orphanet 140922, MedGen C1837342, MONDO:0012127, OMIM 608807.

gnomAD v4.1: 1 of 1,613,678 alleles (0.000062%); highest among the groups gnomAD compares: Non-Finnish European, 0.000085%; no homozygotes.

Submission:

Labcorp Genetics (formerly Invitae), Labcorp
Classification: Uncertain significance for Dilated cardiomyopathy 1G; Autosomal recessive limb-girdle muscular dystrophy type 2J. Last evaluated: 2024-10-10. Review status: criteria provided, single submitter. Criteria: Invitae Variant Classification Sherloc (09022015). Collection method: clinical testing. Allele origin: germline.
Comment: This sequence change replaces methionine, which is neutral and non-polar, with arginine, which is basic and polar, at codon 34047 of the TTN protein (p.Met34047Arg). This variant is present in population databases (no rsID available, gnomAD 0.0009%). This variant has not been reported in the literature in individuals affected with TTN-related conditions. Experimental studies and prediction algorithms are not available or were not evaluated, and the functional significance of this variant is currently unknown. This variant is located in the M band of TTN (PMID: 25589632). Non-truncating variants in this region may be relevant for neuromuscular disorders, but have not been definitively shown to cause cardiomyopathy (PMID: 23975875). In summary, the available evidence is currently insufficient to determine the role of this variant in disease. Therefore, it has been classified as a Variant of Uncertain Significance.

Literature cited by the submitters: PubMed 25589632; PubMed 23975875.